The following is an entry in ClinVar:

ClinVar aggregate classification (germline): Uncertain significance. Review status: criteria provided, multiple submitters, no conflicts (2 of 4 stars). 2 submissions from 2 submitters: Uncertain significance (2). Last evaluated 2025-09-22.

Conditions:
Inborn genetic diseases. Identifiers: MedGen C0950123, MeSH D030342.
Congenital disorder of deglycosylation (CDDG). Identifiers: MedGen C3808991, MONDO:0031376.

Allele frequency attached by ClinVar (database versions not stated): gnomAD exomes below 0.00001.
gnomAD v4.1: 4 of 1,607,428 alleles (0.00025%); highest among the groups gnomAD compares: Non-Finnish European, 0.00034%; no homozygotes.

Submissions (2):

Ambry Genetics
Classification: Uncertain significance for Inborn genetic diseases. Last evaluated: 2025-09-22. Review status: criteria provided, single submitter. Criteria: Ambry Variant Classification Scheme 2023. Collection method: clinical testing. Allele origin: germline.

Labcorp Genetics (formerly Invitae), Labcorp
Classification: Uncertain significance for Congenital disorder of deglycosylation. Last evaluated: 2021-09-01. Review status: criteria provided, single submitter. Criteria: Invitae Variant Classification Sherloc (09022015). Collection method: clinical testing. Allele origin: germline.
Comment: This sequence change replaces aspartic acid with glutamic acid at codon 40 of the NGLY1 protein (p.Asp40Glu). The aspartic acid residue is moderately conserved and there is a small physicochemical difference between aspartic acid and glutamic acid. This variant is not present in population databases (ExAC no frequency). This variant has not been reported in the literature in individuals affected with NGLY1-related conditions. Algorithms developed to predict the effect of missense changes on protein structure and function are either unavailable or do not agree on the potential impact of this missense change (SIFT: "Tolerated"; PolyPhen-2: "Possibly Damaging"; Align-GVGD: "Class C0"). In summary, the available evidence is currently insufficient to determine the role of this variant in disease. Therefore, it has been classified as a Variant of Uncertain Significance.

NM_018297.4(NGLY1):c.120C>G (p.Asp40Glu)

Gene: NGLY1 (N-glycanase 1; minus strand). Cytogenetic location: 3p24.2.
Variant type: single nucleotide variant.
Coding change: c.120C>G on transcript NM_018297.4 (MANE Select); coding-DNA position 120, C replaced by G.
Protein change: p.Asp40Glu; replaces aspartic acid 40 with glutamic acid.
Molecular consequence: missense variant. On other transcripts: intron variant (1).
Genome position (GRCh38, 1-based): chr3:25,783,271, G>C on the plus strand (C>G on the coding strand, the complement: NGLY1 is on the minus strand). VCF-style: chr3-25783271-G-C. GRCh37 (hg19) VCF-style: chr3-25824762-G-C.
Other names: c.120C>G, p.Asp40Glu (NM_001145293.2, NM_001145295.2); c.6-4583C>G (NM_001145294.2); c.120C>G (NM_018297.3); short protein forms D40E.
Identifiers: ClinVar variation 1024473 (VCV001024473.3), dbSNP rs1708504699, ClinGen allele CA351911198.